The following is an entry in ClinVar:

NM_001008212.2(OPTN):c.463G>T (p.Ala155Ser)

Gene: OPTN (optineurin; plus strand). Cytogenetic location: 10p13.
Variant type: single nucleotide variant.
Coding change: c.463G>T on transcript NM_001008212.2 (MANE Select); coding-DNA position 463, G replaced by T.
Protein change: p.Ala155Ser; replaces alanine 155 with serine.
Molecular consequence: missense variant.
Genome position (GRCh38, 1-based): chr10:13,112,546, G>T. VCF-style: chr10-13112546-G-T. GRCh37 (hg19) VCF-style: chr10-13154546-G-T.
Other names: c.463G>T, p.Ala155Ser (NM_001008211.1, NM_001008213.1, NM_021980.4); short protein forms A155S.
Identifiers: ClinVar variation 2181657 (VCV002181657.5), dbSNP rs2539041653, ClinGen allele CA376027965.

ClinVar aggregate classification (germline): Uncertain significance. Review status: criteria provided, multiple submitters, no conflicts (2 of 4 stars). 2 submissions from 2 submitters: Uncertain significance (2). Last evaluated 2023-12-15.

Conditions:
Primary open angle glaucoma (POAG). Also called: OPTN-related open angle glaucoma. Identifiers: MedGen C0339573, MONDO:0100553, OMIM 137760.
Amyotrophic lateral sclerosis type 12 (ALS12). Also called: AMYOTROPHIC LATERAL SCLEROSIS 12 WITH OR WITHOUT FRONTOTEMPORAL DEMENTIA. Identifiers: Orphanet 803, MedGen C3150692, MONDO:0013264, OMIM 613435.
Glaucoma 1, open angle, E. Identifiers: MedGen C1842026, MONDO:0007665.

Submissions (2):

GeneDx
Classification: Uncertain significance. Last evaluated: 2023-12-15. Review status: criteria provided, single submitter. Criteria: GeneDx Variant Classification Process June 2021. Collection method: clinical testing. Allele origin: germline. Affected: yes.
Comment: Not observed at significant frequency in large population cohorts (gnomAD); In silico analysis supports that this missense variant does not alter protein structure/function; Has not been previously published as pathogenic or benign to our knowledge

Labcorp Genetics (formerly Invitae), Labcorp
Classification: Uncertain significance for Primary open angle glaucoma; Glaucoma 1, open angle, E; Amyotrophic lateral sclerosis type 12. Last evaluated: 2022-09-01. Review status: criteria provided, single submitter. Criteria: Invitae Variant Classification Sherloc (09022015). Collection method: clinical testing. Allele origin: germline.
Comment: This sequence change replaces alanine, which is neutral and non-polar, with serine, which is neutral and polar, at codon 155 of the OPTN protein (p.Ala155Ser). This variant is not present in population databases (gnomAD no frequency). This variant has not been reported in the literature in individuals affected with OPTN-related conditions. Algorithms developed to predict the effect of missense changes on protein structure and function are either unavailable or do not agree on the potential impact of this missense change (SIFT: "Tolerated"; PolyPhen-2: "Possibly Damaging"; Align-GVGD: "Class C0"). In summary, the available evidence is currently insufficient to determine the role of this variant in disease. Therefore, it has been classified as a Variant of Uncertain Significance.